The following is an entry in ClinVar:

NM_001164665.2(KIAA1549):c.2744C>T (p.Ala915Val)

Gene: KIAA1549 (KIAA1549; minus strand). Cytogenetic location: 7q34.
Variant type: single nucleotide variant.
Coding change: c.2744C>T on transcript NM_001164665.2 (MANE Select); coding-DNA position 2744, C replaced by T.
Protein change: p.Ala915Val; replaces alanine 915 with valine.
Molecular consequence: missense variant.
Genome position (GRCh38, 1-based): chr7:138,916,882, G>A on the plus strand (C>T on the coding strand, the complement: KIAA1549 is on the minus strand). VCF-style: chr7-138916882-G-A. GRCh37 (hg19) VCF-style: chr7-138601628-G-A.
Other names: c.2744C>T (NM_001164665.1); c.2744C>T, p.Ala915Val (NM_020910.3); short protein forms A915V.
Identifiers: ClinVar variation 2164924 (VCV002164924.5), dbSNP rs756710275, ClinGen allele CA4506423.
Genomic context (GRCh38, chr7:138,916,882, plus strand): 5'-GTGTCGACTGTTGCTTCGAGAGTGAAGGCAGTCACGGGACGCAGGGATGGCAGGGGAGGA[G>A]CAGCACTACTCTCTGGGGGGCTCTGACTTGCGGCGTCACCCATCAGGGTGGAGTCGAGGG-3'
Protein context (NP_001158137.1, residues 905-925): ASQSPPESSA[Ala915Val]PPLPSLRPVT

ClinVar aggregate classification (germline): Conflicting classifications of pathogenicity. Review status: criteria provided, conflicting classifications (1 of 4 stars). 3 submissions from 3 submitters: Uncertain significance (2); Likely benign (1). Last evaluated 2024-07-17.

Conditions:
Inborn genetic diseases. Identifiers: MedGen C0950123, MeSH D030342.

Allele frequency attached by ClinVar (database versions not stated): ExAC 0.00002; gnomAD exomes 0.00002; TOPMed 0.00002; gnomAD 0.00003.
gnomAD v4.1: 34 of 1,613,750 alleles (0.0021%); highest among the groups gnomAD compares: Non-Finnish European, 0.0024%; no homozygotes.

Submissions (3):

Ambry Genetics
Classification: Likely benign for Inborn genetic diseases. Last evaluated: 2024-07-17. Review status: criteria provided, single submitter. Criteria: Ambry Variant Classification Scheme 2023. Collection method: clinical testing. Allele origin: germline.

Labcorp Genetics (formerly Invitae), Labcorp
Classification: Uncertain significance. Last evaluated: 2024-02-23. Review status: criteria provided, single submitter. Criteria: Invitae Variant Classification Sherloc (09022015). Collection method: clinical testing. Allele origin: germline.
Comment: This sequence change replaces alanine, which is neutral and non-polar, with valine, which is neutral and non-polar, at codon 915 of the KIAA1549 protein (p.Ala915Val). This variant is present in population databases (rs756710275, gnomAD 0.004%). This variant has not been reported in the literature in individuals affected with KIAA1549-related conditions. ClinVar contains an entry for this variant (Variation ID: 2164924). Algorithms developed to predict the effect of missense changes on protein structure and function output the following: SIFT: "Not Available"; PolyPhen-2: "Benign"; Align-GVGD: "Not Available". The valine amino acid residue is found in multiple mammalian species, which suggests that this missense change does not adversely affect protein function. In summary, the available evidence is currently insufficient to determine the role of this variant in disease. Therefore, it has been classified as a Variant of Uncertain Significance.

Blueprint Genetics
Classification: Uncertain significance. Last evaluated: 2022-08-23. Review status: criteria provided, single submitter. Criteria: ACMG Guidelines, 2015. Collection method: clinical testing. Allele origin: germline.